The following is an entry in ClinVar:

NM_006389.5(HYOU1):c.265-9A>T

Gene: HYOU1 (hypoxia up-regulated 1; minus strand). Cytogenetic location: 11q23.3.
Variant type: single nucleotide variant.
Coding change: c.265-9A>T on transcript NM_006389.5 (MANE Select); 9 bases into the intron before coding-DNA position 265, A replaced by T.
Molecular consequence: intron variant.
Genome position (GRCh38, 1-based): chr11:119,055,348, T>A on the plus strand (A>T on the coding strand, the complement: HYOU1 is on the minus strand). VCF-style: chr11-119055348-T-A. GRCh37 (hg19) VCF-style: chr11-118926060-T-A.
Other names: c.265-9A>T (NM_001130991.3, NM_006389.4).
Identifiers: ClinVar variation 2144811 (VCV002144811.7), dbSNP rs782726394, ClinGen allele CA229649048.

ClinVar aggregate classification (germline): Likely benign. Review status: criteria provided, multiple submitters, no conflicts (2 of 4 stars). 3 submissions from 3 submitters: Likely benign (2). 1 of the submissions does not count toward it. Last evaluated 2024-05-02.

Conditions:
HYOU1-related disorder. Also called: HYOU1-related condition.

Allele frequency attached by ClinVar (database versions not stated): gnomAD 0.00001.
gnomAD v4.1: 37 of 1,611,794 alleles (0.0023%); highest among the groups gnomAD compares: South Asian, 0.041%; 1 homozygote.

Submissions (3):

Labcorp Genetics (formerly Invitae), Labcorp
Classification: Likely benign. Last evaluated: 2024-05-02. Review status: criteria provided, single submitter. Criteria: Invitae Variant Classification Sherloc (09022015). Collection method: clinical testing. Allele origin: germline.

Blueprint Genetics
Classification: Likely benign. Last evaluated: 2023-09-04. Review status: criteria provided, single submitter. Criteria: ACMG Guidelines, 2015. Collection method: clinical testing. Allele origin: germline.

PreventionGenetics, part of Exact Sciences
Classification: Likely benign for HYOU1-related condition. Last evaluated: 2020-02-12. Review status: no assertion criteria provided. Collection method: clinical testing. Allele origin: germline. Not counted in ClinVar's aggregate classification.
Comment: This variant is classified as likely benign based on ACMG/AMP sequence variant interpretation guidelines (Richards et al. 2015 PMID: 25741868, with internal and published modifications).